The following is an entry in ClinVar:

ClinVar aggregate classification (germline): Pathogenic. Review status: criteria provided, multiple submitters, no conflicts (2 of 4 stars). 2 submissions from 2 submitters: Pathogenic (2). Last evaluated 2025-02-18.

Conditions:
Microcephaly, short stature, and impaired glucose metabolism 1 (MSSGM1). Identifiers: Orphanet 391408, MedGen C4014997, MONDO:0000208, OMIM 616033.

Allele frequency attached by ClinVar (database versions not stated): gnomAD exomes below 0.00001.
gnomAD v4.1: 6 of 1,592,260 alleles (0.00038%); highest among the groups gnomAD compares: Non-Finnish European, 0.00051%; no homozygotes.

Submissions (2):

3billion
Classification: Pathogenic for Microcephaly, short stature, and impaired glucose metabolism 1. Last evaluated: 2025-02-18. Review status: criteria provided, single submitter. Criteria: ACMG Guidelines, 2015. Collection method: clinical testing. Allele origin: germline. Affected: yes.
Comment: The variant is observed at an extremely low frequency in the gnomAD v4.1.0 dataset (total allele frequency: <0.001%). Predicted Consequence/Location: Stop-gained (nonsense): predicted to result in a loss or disruption of normal protein function through nonsense-mediated decay (NMD) or protein truncation. Multiple pathogenic variants are reported downstream of the variant. The variant has been reported to be associated with TRMT10A-related disorder (ClinVar ID: VCV001454256). Therefore, this variant is classified as Pathogenic according to the recommendation of ACMG/AMP guideline.

Labcorp Genetics (formerly Invitae), Labcorp
Classification: Pathogenic. Last evaluated: 2022-10-06. Review status: criteria provided, single submitter. Criteria: Invitae Variant Classification Sherloc (09022015). Collection method: clinical testing. Allele origin: germline.
Comment: For these reasons, this variant has been classified as Pathogenic. ClinVar contains an entry for this variant (Variation ID: 1454256). This variant has not been reported in the literature in individuals affected with TRMT10A-related conditions. This variant is not present in population databases (gnomAD no frequency). This sequence change creates a premature translational stop signal (p.Arg65*) in the TRMT10A gene. It is expected to result in an absent or disrupted protein product. Loss-of-function variants in TRMT10A are known to be pathogenic (PMID: 24204302, 26535115).

Literature cited by the submitters: PubMed 24204302 (cited by Labcorp Genetics (formerly Invitae), Labcorp); PubMed 26535115 (cited by Labcorp Genetics (formerly Invitae), Labcorp).

NM_001134665.3(TRMT10A):c.193C>T (p.Arg65Ter)

Gene: TRMT10A (tRNA methyltransferase 10A; minus strand). Cytogenetic location: 4q23.
Variant type: single nucleotide variant.
Coding change: c.193C>T on transcript NM_001134665.3 (MANE Select); coding-DNA position 193, C replaced by T.
Protein change: p.Arg65Ter; replaces arginine 65 with a stop codon.
Molecular consequence: nonsense.
Genome position (GRCh38, 1-based): chr4:99,558,204, G>A on the plus strand (C>T on the coding strand, the complement: TRMT10A is on the minus strand). VCF-style: chr4-99558204-G-A. GRCh37 (hg19) VCF-style: chr4-100479361-G-A.
Other names: c.193C>T, p.Arg65Ter (NM_001134666.3, NM_001375880.1, NM_001375881.1 and 2 more transcripts); short protein forms R65*.
Identifiers: ClinVar variation 1454256 (VCV001454256.7), dbSNP rs1724246827, ClinGen allele CA357512804.